The following is an entry in ClinVar:

ClinVar aggregate classification (germline): Likely benign. Review status: criteria provided, multiple submitters, no conflicts (2 of 4 stars). 3 submissions from 3 submitters: Likely benign (3). Last evaluated 2026-01-07.

Conditions:
Hereditary cancer-predisposing syndrome. Also called: Hereditary Cancer Syndrome; Neoplastic Syndromes, Hereditary; Tumor predisposition; Hereditary neoplastic syndrome. Identifiers: Orphanet 140162, MedGen C0027672, MeSH D009386, MONDO:0015356.
BAP1-related tumor predisposition syndrome (TPDS1). Also called: Tumor susceptibility linked to germline BAP1 mutations; BAP1 tumor predisposition syndrome; COMMON Syndrome; TUMOR PREDISPOSITION SYNDROME 1. Identifiers: Orphanet 289539, MedGen C3280492, MONDO:0013692, OMIM 614327.

Allele frequency attached by ClinVar (database versions not stated): gnomAD 0.00001; gnomAD exomes 0.00001; TOPMed 0.00001; ExAC 0.00002.
gnomAD v4.1: 21 of 1,612,388 alleles (0.0013%); highest among the groups gnomAD compares: South Asian, 0.0077%; no homozygotes.

Submissions (3):

Labcorp Genetics (formerly Invitae), Labcorp
Classification: Likely benign for BAP1-related tumor predisposition syndrome. Last evaluated: 2026-01-07. Review status: criteria provided, single submitter. Criteria: Invitae Variant Classification Sherloc (09022015). Collection method: clinical testing. Allele origin: germline.

Myriad Genetics, Inc.
Classification: Likely benign for BAP1-related tumor predisposition syndrome. Last evaluated: 2024-07-17. Review status: criteria provided, single submitter. Criteria: Myriad Autosomal Dominant, Autosomal Recessive and X-Linked Classification Criteria (2023). Collection method: clinical testing. Allele origin: unknown.
Comment: This variant is considered likely benign. This variant is intronic and is not expected to impact mRNA splicing.

Color Diagnostics, LLC DBA Color Health
Classification: Likely benign for Hereditary cancer-predisposing syndrome. Last evaluated: 2016-10-17. Review status: criteria provided, single submitter. Criteria: ACMG Guidelines, 2015. Collection method: clinical testing. Allele origin: germline.

NM_004656.4(BAP1):c.1890+10C>T

Gene: BAP1 (BRCA1 associated deubiquitinase 1; minus strand). Cytogenetic location: 3p21.1.
Variant type: single nucleotide variant.
Coding change: c.1890+10C>T on transcript NM_004656.4 (MANE Select); 10 bases into the intron after coding-DNA position 1890, C replaced by T.
Molecular consequence: intron variant.
Genome position (GRCh38, 1-based): chr3:52,403,128, G>A on the plus strand (C>T on the coding strand, the complement: BAP1 is on the minus strand). VCF-style: chr3-52403128-G-A. GRCh37 (hg19) VCF-style: chr3-52437144-G-A.
Identifiers: ClinVar variation 490821 (VCV000490821.13), dbSNP rs776553452, ClinGen allele CA2436694.